The following is an entry in ClinVar:

ClinVar aggregate classification (germline): Pathogenic (1 of 4 stars; one submission).

Conditions:
Autoimmune lymphoproliferative syndrome type 1. Also called: AUTOIMMUNE LYMPHOPROLIFERATIVE SYNDROME, TYPE I, AUTOSOMAL DOMINANT. Identifiers: Orphanet 3261, MedGen C2717884, MONDO:0011158, OMIM 601859.

Submission:

Labcorp Genetics (formerly Invitae), Labcorp
Classification: Pathogenic for Autoimmune lymphoproliferative syndrome. Last evaluated: 2024-02-13. Review status: criteria provided, single submitter. Criteria: Invitae Variant Classification Sherloc (09022015). Collection method: clinical testing. Allele origin: germline.
Comment: This sequence change creates a premature translational stop signal (p.Phe133Ilefs*54) in the FAS gene. It is expected to result in an absent or disrupted protein product. Loss-of-function variants in FAS are known to be pathogenic (PMID: 10875918, 22237435). Information on the frequency of this variant in the gnomAD database is not available, as this variant may be reported differently in the database. This premature translational stop signal has been observed in individual(s) with autoimmune lymphoproliferative syndrome (PMID: 21490157). ClinVar contains an entry for this variant (Variation ID: 1455090). For these reasons, this variant has been classified as Pathogenic.

Literature cited by the submitters: PubMed 10875918; PubMed 22237435; PubMed 21490157.

NM_000043.6(FAS):c.397_398delinsA (p.Phe133fs)

Gene: FAS (Fas cell surface death receptor; plus strand). Cytogenetic location: 10q23.31.
Variant type: Indel.
Coding change: c.397_398delinsA on transcript NM_000043.6 (MANE Select); coding-DNA positions 397 to 398, TT replaced by A.
Protein change: p.Phe133fs; shifts the reading frame from phenylalanine 133.
Molecular consequence: frameshift variant. On other transcripts: non-coding transcript variant (1).
Genome position (GRCh38, 1-based): chr10:89,008,951-89,008,952, TT replaced by A. VCF-style: chr10-89008951-TT-A. GRCh37 (hg19) VCF-style: chr10-90768708-TT-A.
Other names: c.397_398delinsA, p.Phe133fs (NM_001320619.2, NM_152871.4, NM_152872.4); c.442_443delinsA, p.Phe148fs (NM_001410956.1); short protein forms F148fs, F133fs.
Identifiers: ClinVar variation 4709755 (VCV004709755.1).